The following is an entry in ClinVar:

ClinVar aggregate classification (germline): Uncertain significance (1 of 4 stars; one submission).

Conditions:
Developmental and epileptic encephalopathy, 32 (DEE32). Also called: Epileptic encephalopathy, early infantile, 32. Identifiers: Orphanet 442835, MedGen C4225350, MONDO:0014607, OMIM 616366.

Allele frequency attached by ClinVar (database versions not stated): TOPMed below 0.00001.

Submission:

Labcorp Genetics (formerly Invitae), Labcorp
Classification: Uncertain significance for Developmental and epileptic encephalopathy, 32. Last evaluated: 2024-10-12. Review status: criteria provided, single submitter. Criteria: Invitae Variant Classification Sherloc (09022015). Collection method: clinical testing. Allele origin: germline.
Comment: This sequence change replaces isoleucine, which is neutral and non-polar, with valine, which is neutral and non-polar, at codon 263 of the KCNA2 protein (p.Ile263Val). This variant is not present in population databases (gnomAD no frequency). This variant has not been reported in the literature in individuals affected with KCNA2-related conditions. Invitae Evidence Modeling of protein sequence and biophysical properties (such as structural, functional, and spatial information, amino acid conservation, physicochemical variation, residue mobility, and thermodynamic stability) indicates that this missense variant is not expected to disrupt KCNA2 protein function with a negative predictive value of 95%. This variant disrupts the p.Ile263 amino acid residue in KCNA2. Other variant(s) that disrupt this residue have been determined to be pathogenic (PMID: 25751627). This suggests that this residue is clinically significant, and that variants that disrupt this residue are likely to be disease-causing. In summary, the available evidence is currently insufficient to determine the role of this variant in disease. Therefore, it has been classified as a Variant of Uncertain Significance.

Literature cited by the submitters: PubMed 25751627.

NM_004974.4(KCNA2):c.787A>G (p.Ile263Val)

Gene: KCNA2 (potassium voltage-gated channel subfamily A member 2; minus strand). Cytogenetic location: 1p13.3.
Variant type: single nucleotide variant.
Coding change: c.787A>G on transcript NM_004974.4 (MANE Select); coding-DNA position 787, A replaced by G.
Protein change: p.Ile263Val; replaces isoleucine 263 with valine.
Molecular consequence: missense variant.
Genome position (GRCh38, 1-based): chr1:110,603,996, T>C on the plus strand (A>G on the coding strand, the complement: KCNA2 is on the minus strand). VCF-style: chr1-110603996-T-C. GRCh37 (hg19) VCF-style: chr1-111146618-T-C.
Other names: c.787A>G, p.Ile263Val (NM_001204269.2); short protein forms I263V.
Identifiers: ClinVar variation 2883087 (VCV002883087.3), dbSNP rs1649478560, ClinGen allele CA341603196.
Genomic context (GRCh38, chr1:110,603,996, plus strand): 5'-GCTGAGCGTCCTCTGGCTTCTCAGCCAACTCTGTCCCCAGGGTGATGAAGTAGGGGATGA[T>C]GGCCACAATGTCAATGATGTTCATGATGTTGGTGAAGAAGCCGGCTTTGCTGGGACAGGC-3'
Protein context (NP_004965.1, residues 253-273): NIMNIIDIVA[Ile263Val]IPYFITLGTE